The following is an entry in ClinVar:

NM_152468.5(TMC8):c.931G>T (p.Val311Phe)

Gene: TMC8 (transmembrane channel like 8; plus strand). Cytogenetic location: 17q25.3.
Variant type: single nucleotide variant.
Coding change: c.931G>T on transcript NM_152468.5 (MANE Select); coding-DNA position 931, G replaced by T.
Protein change: p.Val311Phe; replaces valine 311 with phenylalanine.
Molecular consequence: missense variant.
Genome position (GRCh38, 1-based): chr17:78,134,508, G>T. VCF-style: chr17-78134508-G-T. GRCh37 (hg19) VCF-style: chr17-76130589-G-T.
Other names: short protein forms V311F.
Identifiers: ClinVar variation 2160728 (VCV002160728.4), dbSNP rs1277572212, ClinGen allele CA401245226.

ClinVar aggregate classification (germline): Uncertain significance (1 of 4 stars; one submission).

Conditions:
Epidermodysplasia verruciformis. Identifiers: Orphanet 302, MedGen C0014522, MONDO:0009176.

gnomAD v4.1: 2 of 1,614,102 alleles (0.00012%); highest among the groups gnomAD compares: East Asian, 0.0045%; no homozygotes.

Submission:

Labcorp Genetics (formerly Invitae), Labcorp
Classification: Uncertain significance for Epidermodysplasia verruciformis. Last evaluated: 2024-02-17. Review status: criteria provided, single submitter. Criteria: Invitae Variant Classification Sherloc (09022015). Collection method: clinical testing. Allele origin: germline.
Comment: This sequence change replaces valine, which is neutral and non-polar, with phenylalanine, which is neutral and non-polar, at codon 311 of the TMC8 protein (p.Val311Phe). This variant is present in population databases (no rsID available, gnomAD 0.01%). This variant has not been reported in the literature in individuals affected with TMC8-related conditions. ClinVar contains an entry for this variant (Variation ID: 2160728). Advanced modeling of protein sequence and biophysical properties (such as structural, functional, and spatial information, amino acid conservation, physicochemical variation, residue mobility, and thermodynamic stability) performed at Invitae indicates that this missense variant is not expected to disrupt TMC8 protein function with a negative predictive value of 80%. In summary, the available evidence is currently insufficient to determine the role of this variant in disease. Therefore, it has been classified as a Variant of Uncertain Significance.